The following is an entry in ClinVar:

ClinVar aggregate classification (germline): Uncertain significance (1 of 4 stars; one submission).

Submission:

GeneDx
Classification: Uncertain significance. Last evaluated: 2024-12-27. Review status: criteria provided, single submitter. Criteria: GeneDx Variant Classification Process June 2021. Collection method: clinical testing. Allele origin: germline. Affected: yes.
Comment: Not observed at significant frequency in large population cohorts (gnomAD); In silico analysis supports that this missense variant has a deleterious effect on protein structure/function; Has not been previously published as pathogenic or benign to our knowledge

NM_001080421.3(UNC13A):c.4738G>C (p.Asp1580His)

Gene: UNC13A (unc-13 homolog A; minus strand). Cytogenetic location: 19p13.11.
Variant type: single nucleotide variant.
Coding change: c.4738G>C on transcript NM_001080421.3 (MANE Select); coding-DNA position 4738, G replaced by C.
Protein change: p.Asp1580His; replaces aspartic acid 1580 with histidine.
Molecular consequence: missense variant.
Genome position (GRCh38, 1-based): chr19:17,610,013, C>G on the plus strand (G>C on the coding strand, the complement: UNC13A is on the minus strand). VCF-style: chr19-17610013-C-G. GRCh37 (hg19) VCF-style: chr19-17720822-C-G.
Other names: c.4726G>C, p.Asp1576His (NM_001387021.1); c.4723G>C, p.Asp1575His (NM_001387022.1); c.4657G>C, p.Asp1553His (NM_001387023.1); short protein forms D1553H, D1575H, D1576H, D1580H.
Identifiers: ClinVar variation 3908044 (VCV003908044.1).